The following is an entry in ClinVar:

NM_019842.4(KCNQ5):c.2450C>A (p.Ser817Tyr)

Gene: KCNQ5 (potassium voltage-gated channel subfamily Q member 5; plus strand). Cytogenetic location: 6q13.
Variant type: single nucleotide variant.
Coding change: c.2450C>A on transcript NM_019842.4 (MANE Select); coding-DNA position 2450, C replaced by A.
Protein change: p.Ser817Tyr; replaces serine 817 with tyrosine.
Molecular consequence: missense variant.
Genome position (GRCh38, 1-based): chr6:73,195,065, C>A. VCF-style: chr6-73195065-C-A. GRCh37 (hg19) VCF-style: chr6-73904788-C-A.
Other names: c.2423C>A, p.Ser808Tyr (NM_001160130.2); c.2480C>A, p.Ser827Tyr (NM_001160132.2); c.2507C>A, p.Ser836Tyr (NM_001160133.2); c.2120C>A, p.Ser707Tyr (NM_001160134.2); short protein forms S808Y, S836Y, S827Y, S707Y, S817Y.
Identifiers: ClinVar variation 2833289 (VCV002833289.3), dbSNP rs2533932337, ClinGen allele CA364696337.

ClinVar aggregate classification (germline): Uncertain significance (1 of 4 stars; one submission).

Submission:

Labcorp Genetics (formerly Invitae), Labcorp
Classification: Uncertain significance. Last evaluated: 2023-01-31. Review status: criteria provided, single submitter. Criteria: Invitae Variant Classification Sherloc (09022015). Collection method: clinical testing. Allele origin: germline.
Comment: In summary, the available evidence is currently insufficient to determine the role of this variant in disease. Therefore, it has been classified as a Variant of Uncertain Significance. Algorithms developed to predict the effect of missense changes on protein structure and function are either unavailable or do not agree on the potential impact of this missense change (SIFT: "Deleterious"; PolyPhen-2: "Possibly Damaging"; Align-GVGD: "Class C0"). This variant has not been reported in the literature in individuals affected with KCNQ5-related conditions. This variant is not present in population databases (gnomAD no frequency). This sequence change replaces serine, which is neutral and polar, with tyrosine, which is neutral and polar, at codon 836 of the KCNQ5 protein (p.Ser836Tyr).